The following is an entry in ClinVar:

NM_005670.4(EPM2A):c.393G>A (p.Glu131=)

Gene: EPM2A (EPM2A glucan phosphatase, laforin; minus strand). Cytogenetic location: 6q24.3.
Variant type: single nucleotide variant.
Coding change: c.393G>A on transcript NM_005670.4 (MANE Select); coding-DNA position 393, G replaced by A.
Protein change: p.Glu131=; no amino-acid change (glutamic acid 131 retained).
Molecular consequence: synonymous variant. On other transcripts: 5 prime UTR variant (5), non-coding transcript variant (1).
Genome position (GRCh38, 1-based): chr6:145,686,205, C>T on the plus strand (G>A on the coding strand, the complement: EPM2A is on the minus strand). VCF-style: chr6-145686205-C-T. GRCh37 (hg19) VCF-style: chr6-146007341-C-T.
Other names: c.393G>A, p.Glu131= (NM_001018041.2, NM_001360057.2, NM_001368130.1); c.-22G>A (NM_001360064.2, NM_001360071.2, NM_001368131.1); c.-231G>A (NM_001368129.2, NM_001368132.1).
Identifiers: ClinVar variation 129004 (VCV000129004.63), dbSNP rs61758155, ClinGen allele CA152752.

ClinVar aggregate classification (germline): Benign/Likely benign. Review status: criteria provided, multiple submitters, no conflicts (2 of 4 stars). 9 submissions from 9 submitters: Benign (3); Likely benign (5). 1 of the submissions does not count toward it. Last evaluated 2026-09-01.

Conditions:
Inborn genetic diseases. Identifiers: MedGen C0950123, MeSH D030342.
Progressive myoclonic epilepsy. Also called: Myoclonic Epilepsies, Progressive; Myoclonus epilepsy; Progressive myoclonus epilepsy; Familial progressive myoclonic epilepsy. Identifiers: Orphanet 308, Orphanet 98261, MedGen C0751778, MONDO:0020074.

Allele frequency attached by ClinVar (database versions not stated): 1000 Genomes Project 0.00060; 1000 Genomes Project 30x 0.00094; TOPMed 0.00162; ESP Exome Variant Server 0.00192; gnomAD 0.00211 and 0.00223; gnomAD exomes 0.00296 and 0.00309; ExAC 0.00376.

Submissions (9):

CeGaT Center for Human Genetics Tuebingen
Classification: Likely benign. Last evaluated: 2026-09-01. Review status: criteria provided, single submitter. Criteria: CeGaT Center For Human Genetics Tuebingen Variant Classification Criteria Version 2. Collection method: clinical testing. Allele origin: germline. Affected: yes. Observed: 9 variant alleles.
Comment: EPM2A: BP4, BP7, BS2

Labcorp Genetics (formerly Invitae), Labcorp
Classification: Benign for Progressive myoclonic epilepsy. Last evaluated: 2026-02-03. Review status: criteria provided, single submitter. Criteria: Invitae Variant Classification Sherloc (09022015). Collection method: clinical testing. Allele origin: germline.

Athena Diagnostics
Classification: Benign. Last evaluated: 2024-12-27. Review status: criteria provided, single submitter. Criteria: Athena Diagnostics Criteria. Collection method: clinical testing. Allele origin: unknown.
Comment: The frequency of this variant in the general population is higher than would generally be expected for pathogenic variants in this gene. Computational tools yielded predictions that this variant is unlikely to have an effect on normal RNA splicing. This nucleotide position exhibits low evolutionary conservation.

Ambry Genetics
Classification: Likely benign for Inborn genetic diseases. Last evaluated: 2016-06-08. Review status: criteria provided, single submitter. Criteria: Ambry Variant Classification Scheme 2023. Collection method: clinical testing. Allele origin: germline.

GeneDx
Classification: Benign. Last evaluated: 2015-03-03. Review status: criteria provided, single submitter. Criteria: GeneDx Variant Classification Process June 2021. Collection method: clinical testing. Allele origin: germline. Affected: yes.

Eurofins Ntd Llc (ga)
Classification: Likely benign. Last evaluated: 2015-02-27. Review status: criteria provided, single submitter. Criteria: EGL Classification Definitions 2015. Collection method: clinical testing. Allele origin: germline. Observed: 1 variant allele, 1 heterozygote.

Genetic Services Laboratory, University of Chicago
Classification: Likely benign for AllHighlyPenetrant. Last evaluated: 2014-03-24. Review status: criteria provided, single submitter. Criteria: ACMG Guidelines, 2007. Collection method: clinical testing. Allele origin: germline. Inheritance: Autosomal recessive inheritance.

Breakthrough Genomics
Classification: Likely benign. Review status: criteria provided, single submitter. Criteria: ACMG Guidelines, 2015. Collection method: not provided. Allele origin: germline. Inheritance: Autosomal recessive inheritance. Affected: yes.

Mayo Clinic Laboratories, Mayo Clinic
Classification: Likely benign. Last evaluated: 2018-03-23. Review status: no assertion criteria provided. Collection method: clinical testing. Allele origin: unknown. Not counted in ClinVar's aggregate classification.